The following is an entry in ClinVar:

ClinVar aggregate classification (germline): Uncertain significance (1 of 4 stars; one submission).

Conditions:
ABCB4-related disorder. Also called: ABCB4-related disorders; ABCB4-related condition.

Submission:

PreventionGenetics, part of Exact Sciences
Classification: Uncertain significance for ABCB4-related condition. Last evaluated: 2023-03-09. Review status: criteria provided, single submitter. Criteria: ACMG Guidelines, 2015. Collection method: clinical testing. Allele origin: germline.
Comment: The ABCB4 c.916C>A variant is predicted to result in the amino acid substitution p.Leu306Met. To our knowledge, this variant has not been reported in the literature or in a large population database, indicating this variant is rare. At this time, the clinical significance of this variant is uncertain due to the absence of conclusive functional and genetic evidence.

NM_000443.4(ABCB4):c.916C>A (p.Leu306Met)

Gene: ABCB4 (ATP binding cassette subfamily B member 4; minus strand). Cytogenetic location: 7q21.12.
Variant type: single nucleotide variant.
Coding change: c.916C>A on transcript NM_000443.4 (MANE Select); coding-DNA position 916, C replaced by A.
Protein change: p.Leu306Met; replaces leucine 306 with methionine.
Molecular consequence: missense variant.
Genome position (GRCh38, 1-based): chr7:87,447,123, G>T on the plus strand (C>A on the coding strand, the complement: ABCB4 is on the minus strand). VCF-style: chr7-87447123-G-T. GRCh37 (hg19) VCF-style: chr7-87076439-G-T.
Other names: c.916C>A, p.Leu306Met (NM_018849.3, NM_018850.3); short protein forms L306M.
Identifiers: ClinVar variation 2633459 (VCV002633459.1), dbSNP rs1811398439, ClinGen allele CA368048719.